The following is an entry in ClinVar:

NM_001297.5(CNGB1):c.1438A>G (p.Met480Val)

Gene: CNGB1 (cyclic nucleotide gated channel subunit beta 1; minus strand). Cytogenetic location: 16q21.
Variant type: single nucleotide variant.
Coding change: c.1438A>G on transcript NM_001297.5 (MANE Select); coding-DNA position 1438, A replaced by G.
Protein change: p.Met480Val; replaces methionine 480 with valine.
Molecular consequence: missense variant.
Genome position (GRCh38, 1-based): chr16:57,931,813, T>C on the plus strand (A>G on the coding strand, the complement: CNGB1 is on the minus strand). VCF-style: chr16-57931813-T-C. GRCh37 (hg19) VCF-style: chr16-57965717-T-C.
Other names: c.1420A>G, p.Met474Val (NM_001286130.2); short protein forms M474V, M480V.
Identifiers: ClinVar variation 1967253 (VCV001967253.4), dbSNP rs541893675, ClinGen allele CA8083429.
Genomic context (GRCh38, chr16:57,931,813, plus strand): 5'-TGTCTGATTTGGCAGGAGACGGTGGCGGCAACACGGTTGAGGGTGGATTCTCTTCTGCCA[T>C]GAGGGGGCAGCTATCAGCATCAGTATCTTCCACCTGCACTTCTGGGTGCTGTTTCGTGGC-3'
Protein context (NP_001288.3, residues 470-490): EDTDADSCPL[Met480Val]AEENPPSTVL

ClinVar aggregate classification (germline): Uncertain significance (1 of 4 stars; one submission).

Allele frequency attached by ClinVar (database versions not stated): 1000 Genomes Project 30x 0.00016; 1000 Genomes Project 0.00020.
gnomAD v4.1: 22 of 1,614,112 alleles (0.0014%); highest among the groups gnomAD compares: Non-Finnish European, 0.0019%; no homozygotes.

Submission:

Labcorp Genetics (formerly Invitae), Labcorp
Classification: Uncertain significance. Last evaluated: 2024-11-14. Review status: criteria provided, single submitter. Criteria: Invitae Variant Classification Sherloc (09022015). Collection method: clinical testing. Allele origin: germline.
Comment: This sequence change replaces methionine, which is neutral and non-polar, with valine, which is neutral and non-polar, at codon 480 of the CNGB1 protein (p.Met480Val). This variant is present in population databases (rs541893675, gnomAD 0.007%). This variant has not been reported in the literature in individuals affected with CNGB1-related conditions. ClinVar contains an entry for this variant (Variation ID: 1967253). Invitae Evidence Modeling of protein sequence and biophysical properties (such as structural, functional, and spatial information, amino acid conservation, physicochemical variation, residue mobility, and thermodynamic stability) indicates that this missense variant is not expected to disrupt CNGB1 protein function with a negative predictive value of 95%. In summary, the available evidence is currently insufficient to determine the role of this variant in disease. Therefore, it has been classified as a Variant of Uncertain Significance.